The following is an entry in ClinVar:

NM_000238.4(KCNH2):c.1700T>C (p.Ile567Thr)

Gene: KCNH2 (potassium voltage-gated channel subfamily H member 2; minus strand). Cytogenetic location: 7q36.1.
Variant type: single nucleotide variant.
Coding change: c.1700T>C on transcript NM_000238.4 (MANE Select); coding-DNA position 1700, T replaced by C.
Protein change: p.Ile567Thr; replaces isoleucine 567 with threonine.
Molecular consequence: missense variant.
Genome position (GRCh38, 1-based): chr7:150,951,693, A>G on the plus strand (T>C on the coding strand, the complement: KCNH2 is on the minus strand). VCF-style: chr7-150951693-A-G. GRCh37 (hg19) VCF-style: chr7-150648781-A-G.
Other names: c.1700T>C (LRG_288t1); c.680T>C, p.Ile227Thr (NM_001204798.2, NM_172057.3); c.1412T>C, p.Ile471Thr (NM_001406753.1, NM_001406756.1); c.1523T>C, p.Ile508Thr (NM_001406755.1); c.1400T>C, p.Ile467Thr (NM_001406757.1); c.1700T>C, p.Ile567Thr (NM_172056.3); short protein forms I227T, I567T, I467T, I471T, I508T.
Identifiers: ClinVar variation 67241 (VCV000067241.9), dbSNP rs199473519, ClinGen allele CA005167.
Genomic context (GRCh38, chr7:150,951,693, plus strand): 5'-TGCAGCCAGCCGATGCGTGAGTCCATGTGTGGCTGCTCCATGTTGCCGATGGCGTACCAG[A>G]TGCAGGCTAGCCAGTGCGCGATGAGCGCAAAGGTGCACATGAGCAAGAACAGCACGGCCG-3'
Protein context (NP_000229.1, residues 557-577): FALIAHWLAC[Ile567Thr]WYAIGNMEQP

ClinVar aggregate classification (germline): Uncertain significance. Review status: criteria provided, multiple submitters, no conflicts (2 of 4 stars). 3 submissions from 3 submitters: Uncertain significance (2). 1 of the submissions does not count toward it. Last evaluated 2020-10-30.

Conditions:
Cardiovascular phenotype. Identifiers: MedGen CN230736.
Familial long QT syndrome (RWS). Also called: Congenital long QT syndrome; Romano-Ward syndrome; VENTRICULAR FIBRILLATION WITH PROLONGED QT INTERVAL. Identifiers: Orphanet 768, MedGen C1141890, MONDO:0019171.
Long QT syndrome (LQTS). Identifiers: MedGen C0023976, MeSH D008133, MONDO:0002442. Disease mechanism: loss of function. Inheritance: Various modes of inheritance.

Allele frequency attached by ClinVar (database versions not stated): gnomAD exomes below 0.00001.
gnomAD v4.1: 1 of 1,614,190 alleles (0.000062%); highest among the groups gnomAD compares: Non-Finnish European, 0.000085%; no homozygotes.

Submissions (3):

Labcorp Genetics (formerly Invitae), Labcorp
Classification: Uncertain significance for Long QT syndrome. Last evaluated: 2020-10-30. Review status: criteria provided, single submitter. Criteria: Invitae Variant Classification Sherloc (09022015). Collection method: clinical testing. Allele origin: germline.
Comment: In summary, the available evidence is currently insufficient to determine the role of this variant in disease. Therefore, it has been classified as a Variant of Uncertain Significance. Algorithms developed to predict the effect of missense changes on protein structure and function (SIFT, PolyPhen-2, Align-GVGD) all suggest that this variant is likely to be disruptive, but these predictions have not been confirmed by published functional studies and their clinical significance is uncertain. This variant has been observed in individuals affected with long QT syndrome (PMID: 19862833, 23158531, Invitae). ClinVar contains an entry for this variant (Variation ID: 67241). This variant is not present in population databases (ExAC no frequency). This sequence change replaces isoleucine with threonine at codon 567 of the KCNH2 protein (p.Ile567Thr). The isoleucine residue is highly conserved and there is a moderate physicochemical difference between isoleucine and threonine.

Ambry Genetics
Classification: Uncertain significance for Cardiovascular phenotype. Last evaluated: 2019-01-14. Review status: criteria provided, single submitter. Criteria: Ambry Variant Classification Scheme 2023. Collection method: clinical testing. Allele origin: germline.

Cardiovascular Biomedical Research Unit, Royal Brompton & Harefield NHS Foundation Trust
No classification provided. Condition: Familial long QT syndrome. Review status: no classification provided. Collection method: literature only. Allele origin: germline. Not counted in ClinVar's aggregate classification.
Comment: This variant has been reported as associated with Long QT syndrome in the following publications (PMID:19862833). This is a literature report, and does not necessarily reflect the clinical interpretation of the Imperial College / Royal Brompton Cardiovascular Genetics laboratory.

Literature cited by the submitters: PubMed 19862833 (cited by Labcorp Genetics (formerly Invitae), Labcorp and Cardiovascular Biomedical Research Unit, Royal Brompton & Harefield NHS Foundation Trust); PubMed 23158531 (cited by Labcorp Genetics (formerly Invitae), Labcorp); PubMed 22581653 (cited by Cardiovascular Biomedical Research Unit, Royal Brompton & Harefield NHS Foundation Trust).